The following is an entry in ClinVar:

NM_004369.4(COL6A3):c.7308G>A (p.Glu2436=)

Gene: COL6A3 (collagen type VI alpha 3 chain; minus strand). Cytogenetic location: 2q37.3.
Variant type: single nucleotide variant.
Coding change: c.7308G>A on transcript NM_004369.4 (MANE Select); coding-DNA position 7308, G replaced by A.
Protein change: p.Glu2436=; no amino-acid change (glutamic acid 2436 retained).
Molecular consequence: synonymous variant.
Genome position (GRCh38, 1-based): chr2:237,344,710, C>T on the plus strand (G>A on the coding strand, the complement: COL6A3 is on the minus strand). VCF-style: chr2-237344710-C-T. GRCh37 (hg19) VCF-style: chr2-238253353-C-T.
Other names: c.5487G>A, p.Glu1829= (NM_057166.5); c.6690G>A, p.Glu2230= (NM_057167.4).
Identifiers: ClinVar variation 335107 (VCV000335107.13), dbSNP rs750552221, ClinGen allele CA2187834.

ClinVar aggregate classification (germline): Benign/Likely benign. Review status: criteria provided, multiple submitters, no conflicts (2 of 4 stars). 2 submissions from 2 submitters: Benign (1); Likely benign (1). Last evaluated 2025-11-06.

Conditions:
Collagen 6-related myopathy. Identifiers: MedGen CN117976, MONDO:0100225.
Bethlem myopathy 1A. Also called: Bethlem Muscular Dystrophy; MYOPATHY, BENIGN CONGENITAL, WITH CONTRACTURES; Bethlem myopathy 1. Identifiers: Orphanet 610, MedGen CN029274, MONDO:0024530, OMIM 158810.

Allele frequency attached by ClinVar (database versions not stated): gnomAD 0.00001; TOPMed 0.00001; gnomAD exomes 0.00002 and 0.00006; ExAC 0.00004.
gnomAD v4.1: 34 of 1,607,630 alleles (0.0021%); highest among the groups gnomAD compares: Admixed American, 0.0051%; no homozygotes.

Submissions (2):

Labcorp Genetics (formerly Invitae), Labcorp
Classification: Likely benign for Bethlem myopathy 1A. Last evaluated: 2025-11-06. Review status: criteria provided, single submitter. Criteria: Invitae Variant Classification Sherloc (09022015). Collection method: clinical testing. Allele origin: germline.

Illumina Laboratory Services, Illumina
Classification: Benign for Collagen VI-related myopathy. Last evaluated: 2018-01-12. Review status: criteria provided, single submitter. Criteria: ICSL Variant Classification Criteria 13 December 2019. Collection method: clinical testing. Allele origin: germline.
Comment: This variant was observed in the ICSL laboratory as part of a predisposition screen in an ostensibly healthy population. It had not been previously curated by ICSL or reported in the Human Gene Mutation Database (HGMD: prior to June 1st, 2018), and was therefore a candidate for classification through an automated scoring system. Utilizing variant allele frequency, disease prevalence and penetrance estimates, and inheritance mode, an automated score was calculated to assess if this variant is too frequent to cause the disease. Based on the score and internal cut-off values, a variant classified as benign is not then subjected to further curation. The score for this variant resulted in a classification of benign for this disease.